The following is an entry in ClinVar:

ClinVar aggregate classification (germline): Pathogenic/Likely pathogenic. Review status: criteria provided, multiple submitters, no conflicts (2 of 4 stars). 2 submissions from 2 submitters: Pathogenic (1); Likely pathogenic (1). Last evaluated 2024-02-23.

Conditions:
Bloom syndrome (BLM). Also called: Bloom-Torre-Machacek syndrome. Identifiers: Orphanet 125, MedGen C0005859, MONDO:0008876, OMIM 210900.

Submissions (2):

Fulgent Genetics
Classification: Likely pathogenic for Bloom syndrome. Last evaluated: 2024-02-23. Review status: criteria provided, single submitter. Criteria: ACMG Guidelines, 2015. Collection method: clinical testing. Allele origin: germline.

Labcorp Genetics (formerly Invitae), Labcorp
Classification: Pathogenic for Bloom syndrome. Last evaluated: 2020-06-17. Review status: criteria provided, single submitter. Criteria: Invitae Variant Classification Sherloc (09022015). Collection method: clinical testing. Allele origin: germline.
Comment: This sequence change creates a premature translational stop signal (p.Trp230*) in the BLM gene. It is expected to result in an absent or disrupted protein product. This variant is not present in population databases (ExAC no frequency). This variant has not been reported in the literature in individuals with BLM-related conditions. Loss-of-function variants in BLM are known to be pathogenic (PMID: 17407155). For these reasons, this variant has been classified as Pathogenic.

Literature cited by the submitters: PubMed 17407155 (cited by Labcorp Genetics (formerly Invitae), Labcorp).

NM_000057.4(BLM):c.689G>A (p.Trp230Ter)

Gene: BLM (BLM RecQ like helicase; plus strand). Cytogenetic location: 15q26.1.
Variant type: single nucleotide variant.
Coding change: c.689G>A on transcript NM_000057.4 (MANE Select); coding-DNA position 689, G replaced by A.
Protein change: p.Trp230Ter; replaces tryptophan 230 with a stop codon.
Molecular consequence: nonsense. On other transcripts: 5 prime UTR variant (1).
Genome position (GRCh38, 1-based): chr15:90,749,957, G>A. VCF-style: chr15-90749957-G-A. GRCh37 (hg19) VCF-style: chr15-91293187-G-A.
Other names: c.689G>A, p.Trp230Ter (NM_001287246.2, NM_001287247.2); c.-603G>A (NM_001287248.2); short protein forms W230*.
Identifiers: ClinVar variation 1073759 (VCV001073759.8), dbSNP rs2151147939, ClinGen allele CA393841345.